The following is an entry in ClinVar:

NM_025114.4(CEP290):c.2484-18GTTTT[4]

Gene: CEP290 (centrosomal protein 290; minus strand). Cytogenetic location: 12q21.32.
Variant type: Microsatellite.
Coding change: c.2484-18GTTTT[4] on transcript NM_025114.4 (MANE Select); four copies in a row of the 5-base unit GTTTT starting at c.2484-18; the reference has three copies in a row; one copy, 5 bases duplicated.
Molecular consequence: intron variant.
Genome position (GRCh38, 1-based): chr12:88,107,102-88,107,106, AAAAC duplicated on the plus strand (GTTTT on the coding strand, the reverse complement: CEP290 is on the minus strand); duplicating any 5 consecutive bases within chr12:88,107,102-88,107,120 gives the same sequence; the position shown is the placement nearest the transcript's 3' end. VCF-style (leftmost placement, unchanged base first): chr12-88107101-A-AAAAAC. GRCh37 (hg19) VCF-style: chr12-88500878-A-AAAAAC.
Other names: c.2484-8_2484-4dupGTTTT (NM_025114.3, NM_025114.4).
Identifiers: ClinVar variation 220050 (VCV000220050.52), dbSNP rs745522483, ClinGen allele CA349787.

ClinVar aggregate classification (germline): Likely benign. Review status: reviewed by expert panel (3 of 4 stars). 15 submissions from 15 submitters: Likely benign (1). 14 of the submissions do not count toward it. Last evaluated 2026-07-20.

Conditions:
CEP290-related ciliopathy. Also called: CEP290 ciliopathy. Identifiers: MedGen CN305601, MONDO:0100451.
Joubert syndrome. Also called: Familial aplasia of the vermis; JOUBERT-BOLTSHAUSER SYNDROME. Identifiers: Orphanet 475, MedGen C5979921, MONDO:0018772.
Meckel-Gruber syndrome. Also called: Dysencephalia splachnocystica; DYSENCEPHALIA SPLANCHNOCYSTICA; GRUBER SYNDROME. Identifiers: Orphanet 564, MedGen C0265215, MONDO:0018921.
Nephronophthisis. Also called: Juvenile Nephronophthisis. Identifiers: Orphanet 655, MedGen C0687120, MONDO:0019005, HP:0000090.
Leber congenital amaurosis (LCA). Also called: Leber's amaurosis. Identifiers: Orphanet 65, MedGen C0339527, MeSH D057130, MONDO:0018998.
Intellectual disability. Also called: Intellectual developmental disorder; Intellectual functioning disability; intellectual disabilities. Identifiers: MedGen C3714756, MeSH D008607, MONDO:0001071, HP:0001249.

Submissions (15):

ClinGen Leber Congenital Amaurosis/early Onset Retinal Dystrophy Variant Curation Expert Panel, ClinGen
Classification: Likely benign for CEP290-related ciliopathy. Last evaluated: 2026-07-20. Review status: reviewed by expert panel. Criteria: ClinGen LCAeoRD ACMG Specifications CEP290 V1.0.0. Collection method: curation. Allele origin: germline. Inheritance: Autosomal recessive inheritance.
Comment: NM_025114.4(CEP290):c.2484-8_2484-4dup is a variant in intron 23 that is not predicted to disrupt splicing, but is located within the splice acceptor region between -1 and -21 so BP7 is not met. The splicing impact predictor SpliceAI gives a delta score of 0.02, which is below the ClinGen LCA / eoRD VCEP recommended threshold of <0.1 and does not predict an impact on splicing (BP4). This variant is present in gnomAD v4.1.1 at a Grpmax allele frequency of 0.00126706, with 1,583 alleles / 1,497,774 total alleles in the European (Non-Finnish) population, which is lower than the ClinGen LCA/eoRD VCEP BS1 threshold of >0.0016 and fails to meet BS1. This variant is present in gnomAD v4.1.0 at a total allele frequency of 0.001057, with 1,583 alleles / 1,497,774 total alleles, which is higher than the ClinGen LCA/eoRD VCEP PM2_Supporting threshold of <0.0006 and fails to meet this criterion. This variant has been found in the homozygous state in 8 adult individuals in gnomAD which exceeds the LCA/eoRD VCEP threshold of ≥6 (gnomAD version 4.1.1; BS2). In summary, this variant meets the criteria to be classified as Likely Benign for CEP290-related ciliopathy based on the ACMG/AMP criteria applied, as specified by the ClinGen LCA/eoRD VCEP: BS2, BP4. (LCA/eoRD VCEP Specifications for CEP290 Version 1.0.0)

Labcorp Genetics (formerly Invitae), Labcorp
Classification: Benign for Joubert syndrome; Meckel-Gruber syndrome; Nephronophthisis. Last evaluated: 2026-02-02. Review status: criteria provided, single submitter. Criteria: Invitae Variant Classification Sherloc (09022015). Collection method: clinical testing. Allele origin: germline. Not counted in ClinVar's aggregate classification.

CeGaT Center for Human Genetics Tuebingen
Classification: Likely benign. Last evaluated: 2025-07-01. Review status: criteria provided, single submitter. Criteria: CeGaT Center For Human Genetics Tuebingen Variant Classification Criteria Version 2. Collection method: clinical testing. Allele origin: germline. Affected: yes. Observed: 3 variant alleles. Not counted in ClinVar's aggregate classification.
Comment: CEP290: BP4, BS2

Blueprint Genetics
Classification: Likely benign. Last evaluated: 2024-11-26. Review status: criteria provided, single submitter. Criteria: ACMG Guidelines, 2015. Collection method: clinical testing. Allele origin: germline. Not counted in ClinVar's aggregate classification.

GeneDx
Classification: Likely benign. Last evaluated: 2020-12-03. Review status: criteria provided, single submitter. Criteria: GeneDx Variant Classification Process June 2021. Collection method: clinical testing. Allele origin: germline. Affected: yes. Not counted in ClinVar's aggregate classification.

Center for Pediatric Genomic Medicine, Children's Mercy Hospital and Clinics
Classification: Likely benign. Last evaluated: 2016-12-07. Review status: criteria provided, single submitter. Criteria: ACMG Guidelines, 2015. Collection method: clinical testing. Allele origin: germline. Not counted in ClinVar's aggregate classification.
ClinVar note: Converted during submission from Likely Benign to Likely benign.

PreventionGenetics, part of Exact Sciences
Classification: Likely benign. Last evaluated: 2016-04-26. Review status: criteria provided, single submitter. Criteria: ACMG Guidelines, 2015. Collection method: clinical testing. Allele origin: germline. Not counted in ClinVar's aggregate classification.

Genetic Services Laboratory, University of Chicago
Classification: Uncertain significance. Last evaluated: 2016-04-19. Review status: criteria provided, single submitter. Criteria: ACMG Guidelines, 2015. Collection method: clinical testing. Allele origin: germline. Affected: no. Not counted in ClinVar's aggregate classification.

Eurofins Ntd Llc (ga)
Classification: Uncertain significance. Last evaluated: 2015-08-11. Review status: criteria provided, single submitter. Criteria: EGL Classification Definitions. Collection method: clinical testing. Allele origin: germline. Observed: 2 variant alleles. Not counted in ClinVar's aggregate classification.

Natera, Inc.
Classification: Uncertain significance for Leber congenital amaurosis. Last evaluated: 2020-04-17. Review status: no assertion criteria provided. Collection method: clinical testing. Allele origin: germline. Not counted in ClinVar's aggregate classification.

Centre de Biologie Pathologie Génétique, Centre Hospitalier Universitaire de Lille
Classification: Benign for Intellectual disability. Last evaluated: 2019-01-01. Review status: no assertion criteria provided. Collection method: clinical testing. Allele origin: inherited. Affected: yes. Not counted in ClinVar's aggregate classification.

Clinical Genetics, Academic Medical Center
Classification: Likely benign. Review status: no assertion criteria provided. Collection method: clinical testing. Allele origin: germline. Affected: yes. Study: VKGL Data-share Consensus. Not counted in ClinVar's aggregate classification.

Diagnostic Laboratory, Department of Genetics, University Medical Center Groningen
Classification: Likely benign. Review status: no assertion criteria provided. Collection method: clinical testing. Allele origin: germline. Affected: yes. Study: VKGL Data-share Consensus. Not counted in ClinVar's aggregate classification.

Genome Diagnostics Laboratory, University Medical Center Utrecht
Classification: Likely benign. Review status: no assertion criteria provided. Collection method: clinical testing. Allele origin: germline. Affected: yes. Study: VKGL Data-share Consensus. Not counted in ClinVar's aggregate classification.

Laboratory of Diagnostic Genome Analysis, Leiden University Medical Center (LUMC)
Classification: Likely benign. Review status: no assertion criteria provided. Collection method: clinical testing. Allele origin: germline. Affected: yes. Study: VKGL Data-share Consensus. Not counted in ClinVar's aggregate classification.